The following is an entry in ClinVar:

NM_017636.4(TRPM4):c.2444T>A (p.Leu815Gln)

Gene: TRPM4 (transient receptor potential cation channel subfamily M member 4; plus strand). Cytogenetic location: 19q13.33.
Variant type: single nucleotide variant.
Coding change: c.2444T>A on transcript NM_017636.4 (MANE Select); coding-DNA position 2444, T replaced by A.
Protein change: p.Leu815Gln; replaces leucine 815 with glutamine.
Molecular consequence: missense variant. On other transcripts: intron variant (1).
Genome position (GRCh38, 1-based): chr19:49,196,673, T>A. VCF-style: chr19-49196673-T-A. GRCh37 (hg19) VCF-style: chr19-49699930-T-A.
Other names: c.2099T>A, p.Leu700Gln (NM_001321281.2); c.836T>A, p.Leu279Gln (NM_001321282.2); c.1922T>A, p.Leu641Gln (NM_001321283.2); c.1382T>A, p.Leu461Gln (NM_001321285.2); c.2211-3627T>A (NM_001195227.2); short protein forms L641Q, L279Q, L700Q, L461Q, L815Q.
Identifiers: ClinVar variation 1390593 (VCV001390593.8), dbSNP rs2123043295, ClinGen allele CA406809240.

ClinVar aggregate classification (germline): Uncertain significance (1 of 4 stars; one submission).

Conditions:
Progressive familial heart block type IB (PFHB1B). Identifiers: Orphanet 871, MedGen C1970298, MONDO:0011474, OMIM 604559.

Allele frequency attached by ClinVar (database versions not stated): gnomAD exomes below 0.00001.
gnomAD v4.1: 1 of 1,548,500 alleles (0.000065%); highest among the groups gnomAD compares: Non-Finnish European, 0.000087%; no homozygotes.

Submission:

Labcorp Genetics (formerly Invitae), Labcorp
Classification: Uncertain significance for Progressive familial heart block type IB. Last evaluated: 2025-04-08. Review status: criteria provided, single submitter. Criteria: Invitae Variant Classification Sherloc (09022015). Collection method: clinical testing. Allele origin: germline.
Comment: This sequence change replaces leucine, which is neutral and non-polar, with glutamine, which is neutral and polar, at codon 815 of the TRPM4 protein (p.Leu815Gln). This variant is not present in population databases (gnomAD no frequency). This variant has not been reported in the literature in individuals affected with TRPM4-related conditions. ClinVar contains an entry for this variant (Variation ID: 1390593). An algorithm developed to predict the effect of missense changes on protein structure and function (PolyPhen-2) suggests that this variant is likely to be disruptive. In summary, the available evidence is currently insufficient to determine the role of this variant in disease. Therefore, it has been classified as a Variant of Uncertain Significance.